The following is an entry in ClinVar:

NM_006767.4(LZTR1):c.1570C>T (p.Leu524Phe)

Gene: LZTR1 (leucine zipper like post translational regulator 1; plus strand). Cytogenetic location: 22q11.21.
Variant type: single nucleotide variant.
Coding change: c.1570C>T on transcript NM_006767.4 (MANE Select); coding-DNA position 1570, C replaced by T.
Protein change: p.Leu524Phe; replaces leucine 524 with phenylalanine.
Molecular consequence: missense variant.
Genome position (GRCh38, 1-based): chr22:20,994,224, C>T. VCF-style: chr22-20994224-C-T. GRCh37 (hg19) VCF-style: chr22-21348513-C-T.
Other names: short protein forms L524F.
Identifiers: ClinVar variation 839278 (VCV000839278.15), dbSNP rs1268689557, ClinGen allele CA410776031.

ClinVar aggregate classification (germline): Uncertain significance. Review status: criteria provided, multiple submitters, no conflicts (2 of 4 stars). 4 submissions from 4 submitters: Uncertain significance (4). Last evaluated 2025-04-08.

Conditions:
Cardiovascular phenotype. Identifiers: MedGen CN230736.
Hereditary cancer-predisposing syndrome. Also called: Neoplastic Syndromes, Hereditary; Tumor predisposition; Hereditary neoplastic syndrome; Hereditary Cancer Syndrome. Identifiers: Orphanet 140162, MedGen C0027672, MeSH D009386, MONDO:0015356.
LZTR1-related disorder. Also called: LZTR1-related disorders; LZTR1-related condition.
LZTR1-related schwannomatosis. Also called: Schwannomatosis 2; Schwannomatosis-2, susceptibility to. Identifiers: Orphanet 93921, MedGen C3810283, MONDO:0014299, OMIM 615670.

Allele frequency attached by ClinVar (database versions not stated): TOPMed below 0.00001; gnomAD 0.00001; gnomAD exomes 0.00001.
gnomAD v4.1: 5 of 1,600,676 alleles (0.00031%); highest among the groups gnomAD compares: South Asian, 0.0011%; no homozygotes.

Submissions (4):

Ambry Genetics
Classification: Uncertain significance for Cardiovascular phenotype; Hereditary cancer-predisposing syndrome. Last evaluated: 2025-04-08. Review status: criteria provided, single submitter. Criteria: Ambry Variant Classification Scheme 2023. Collection method: clinical testing. Allele origin: germline.
Comment: The p.L524F variant (also known as c.1570C>T), located in coding exon 14 of the LZTR1 gene, results from a C to T substitution at nucleotide position 1570. The leucine at codon 524 is replaced by phenylalanine, an amino acid with highly similar properties. This amino acid position is highly conserved in available vertebrate species. In addition, the in silico prediction for this alteration is inconclusive. Since supporting evidence is limited at this time, the clinical significance of this alteration remains unclear.

Labcorp Genetics (formerly Invitae), Labcorp
Classification: Uncertain significance. Last evaluated: 2025-02-06. Review status: criteria provided, single submitter. Criteria: Invitae Variant Classification Sherloc (09022015). Collection method: clinical testing. Allele origin: germline.
Comment: This sequence change replaces leucine, which is neutral and non-polar, with phenylalanine, which is neutral and non-polar, at codon 524 of the LZTR1 protein (p.Leu524Phe). This variant is not present in population databases (gnomAD no frequency). This variant has not been reported in the literature in individuals affected with LZTR1-related conditions. ClinVar contains an entry for this variant (Variation ID: 839278). Invitae Evidence Modeling of protein sequence and biophysical properties (such as structural, functional, and spatial information, amino acid conservation, physicochemical variation, residue mobility, and thermodynamic stability) indicates that this missense variant is not expected to disrupt LZTR1 protein function with a negative predictive value of 80%. In summary, the available evidence is currently insufficient to determine the role of this variant in disease. Therefore, it has been classified as a Variant of Uncertain Significance.

Baylor Genetics
Classification: Uncertain significance for LZTR1-related schwannomatosis. Last evaluated: 2024-01-03. Review status: criteria provided, single submitter. Criteria: ACMG Guidelines, 2015. Collection method: clinical testing. Allele origin: unknown.

PreventionGenetics, part of Exact Sciences
Classification: Uncertain significance for LZTR1-related condition. Last evaluated: 2023-03-11. Review status: criteria provided, single submitter. Criteria: ACMG Guidelines, 2015. Collection method: clinical testing. Allele origin: germline.
Comment: The LZTR1 c.1570C>T variant is predicted to result in the amino acid substitution p.Leu524Phe. To our knowledge, this variant has not been reported in the literature or in a large population database, indicating this variant is rare. In ClinVar, this variant is interpreted as uncertain. At this time, the clinical significance of this variant is uncertain due to the absence of conclusive functional and genetic evidence.